The following is an entry in ClinVar:

ClinVar aggregate classification (germline): Uncertain significance (1 of 4 stars; one submission).

Conditions:
Hereditary cancer-predisposing syndrome. Also called: Neoplastic Syndromes, Hereditary; Tumor predisposition; Hereditary neoplastic syndrome; Hereditary Cancer Syndrome. Identifiers: Orphanet 140162, MedGen C0027672, MeSH D009386, MONDO:0015356.

gnomAD v4.1: 10 of 1,614,162 alleles (0.00062%); highest among the groups gnomAD compares: Non-Finnish European, 0.00085%; no homozygotes.

Submission:

Ambry Genetics
Classification: Uncertain significance for Hereditary cancer-predisposing syndrome. Last evaluated: 2025-03-19. Review status: criteria provided, single submitter. Criteria: Ambry Variant Classification Scheme 2023. Collection method: clinical testing. Allele origin: germline.
Comment: The p.P188T variant (also known as c.562C>A), located in coding exon 2 of the MEN1 gene, results from a C to A substitution at nucleotide position 562. The proline at codon 188 is replaced by threonine, an amino acid with highly similar properties. This amino acid position is not well conserved in available vertebrate species. In addition, the in silico prediction for this alteration is inconclusive. Based on the available evidence, the clinical significance of this variant remains unclear.

NM_001370259.2(MEN1):c.562C>A (p.Pro188Thr)

Gene: MEN1 (menin 1; minus strand). Cytogenetic location: 11q13.1.
Variant type: single nucleotide variant.
Coding change: c.562C>A on transcript NM_001370259.2 (MANE Select); coding-DNA position 562, C replaced by A.
Protein change: p.Pro188Thr; replaces proline 188 with threonine.
Molecular consequence: missense variant. On other transcripts: non-coding transcript variant (4), intron variant (5).
Genome position (GRCh38, 1-based): chr11:64,807,983, G>T on the plus strand (C>A on the coding strand, the complement: MEN1 is on the minus strand). VCF-style: chr11-64807983-G-T. GRCh37 (hg19) VCF-style: chr11-64575455-G-T.
Other names: c.577C>A, p.Pro193Thr (NM_130801.3, NM_130802.3, NM_130803.3 and 5 more transcripts); c.549+13C>A (NM_001407148.1, NM_001407149.1, NM_001407151.1 and 2 more transcripts); c.562C>A, p.Pro188Thr (NM_001370251.2, NM_001370260.2, NM_001370261.2 and 7 more transcripts); short protein forms P188T, P193T.
Identifiers: ClinVar variation 4053784 (VCV004053784.1).